The following is an entry in ClinVar:

ClinVar aggregate classification (germline): Likely benign. Review status: criteria provided, multiple submitters, no conflicts (2 of 4 stars). 2 submissions from 2 submitters: Likely benign (2). Last evaluated 2026-03-01.

Allele frequency attached by ClinVar (database versions not stated): 1000 Genomes Project 30x 0.00016; TOPMed 0.00019; gnomAD 0.00028; gnomAD exomes 0.00034; ExAC 0.00072.
gnomAD v4.1: 503 of 1,536,030 alleles (0.033%); highest among the groups gnomAD compares: South Asian, 0.046%; 1 homozygote.

Submissions (2):

CeGaT Center for Human Genetics Tuebingen
Classification: Likely benign. Last evaluated: 2026-03-01. Review status: criteria provided, single submitter. Criteria: CeGaT Center For Human Genetics Tuebingen Variant Classification Criteria Version 2. Collection method: clinical testing. Allele origin: germline. Affected: yes. Observed: 6 variant alleles.
Comment: AP2M1: BP4, BP7

Blueprint Genetics
Classification: Likely benign. Last evaluated: 2024-09-24. Review status: criteria provided, single submitter. Criteria: ACMG Guidelines, 2015. Collection method: clinical testing. Allele origin: germline.

NM_004068.4(AP2M1):c.74+509T>C

Genes: AP2M1 (adaptor related protein complex 2 subunit mu 1; plus strand), LOC123453202 (Sharpr-MPRA regulatory region 464; plus strand). Cytogenetic location: 3q27.1.
Variant type: single nucleotide variant.
Coding change: c.74+509T>C on transcript NM_004068.4 (MANE Select); 509 bases into the intron after coding-DNA position 74, T replaced by C.
Molecular consequence: intron variant. On other transcripts: synonymous variant (1).
Genome position (GRCh38, 1-based): chr3:184,177,576, T>C. VCF-style: chr3-184177576-T-C. GRCh37 (hg19) VCF-style: chr3-183895364-T-C.
Other names: c.108T>C, p.Ser36= (NM_001311198.2); c.74+509T>C (NM_001025205.2).
Identifiers: ClinVar variation 2498945 (VCV002498945.29), dbSNP rs752060957, ClinGen allele CA2727632.